The following is an entry in ClinVar:

ClinVar aggregate classification (germline): Uncertain significance. Review status: criteria provided, multiple submitters, no conflicts (2 of 4 stars). 2 submissions from 2 submitters: Uncertain significance (2). Last evaluated 2020-06-29.

Conditions:
Hereditary cancer-predisposing syndrome. Also called: Tumor predisposition; Hereditary neoplastic syndrome; Hereditary Cancer Syndrome; Neoplastic Syndromes, Hereditary. Identifiers: Orphanet 140162, MedGen C0027672, MeSH D009386, MONDO:0015356.

Allele frequency attached by ClinVar (database versions not stated): gnomAD exomes below 0.00001 and 0.00001.
gnomAD v4.1: 2 of 1,613,938 alleles (0.00012%); no homozygotes.

Submissions (2):

Color Diagnostics, LLC DBA Color Health
Classification: Uncertain significance for Hereditary cancer-predisposing syndrome. Last evaluated: 2020-06-29. Review status: criteria provided, single submitter. Criteria: ACMG Guidelines, 2015. Collection method: clinical testing. Allele origin: germline.
Comment: This missense variant replaces histidine with glutamine at codon 563 of the BAP1 protein. Computational prediction suggests that this variant may not impact protein structure and function (internally defined REVEL score threshold <= 0.5, PMID: 27666373). To our knowledge, functional studies have not been reported for this variant. This variant has been reported in at least one individual affected with uveal melanoma (PMID: 26876698, 31058963). This variant has been identified in 2/250840 chromosomes in the general population by the Genome Aggregation Database (gnomAD). The available evidence is insufficient to determine the role of this variant in disease conclusively. Therefore, this variant is classified as a Variant of Uncertain Significance.

Blueprint Genetics
Classification: Uncertain significance. Last evaluated: 2019-05-15. Review status: criteria provided, single submitter. Criteria: ACMG Guidelines, 2015. Collection method: clinical testing. Allele origin: germline.

NM_004656.4(BAP1):c.1689C>A (p.His563Gln)

Gene: BAP1 (BRCA1 associated deubiquitinase 1; minus strand). Cytogenetic location: 3p21.1.
Variant type: single nucleotide variant.
Coding change: c.1689C>A on transcript NM_004656.4 (MANE Select); coding-DNA position 1689, C replaced by A.
Protein change: p.His563Gln; replaces histidine 563 with glutamine.
Molecular consequence: missense variant.
Genome position (GRCh38, 1-based): chr3:52,403,456, G>T on the plus strand (C>A on the coding strand, the complement: BAP1 is on the minus strand). VCF-style: chr3-52403456-G-T. GRCh37 (hg19) VCF-style: chr3-52437472-G-T.
Other names: short protein forms H563Q.
Identifiers: ClinVar variation 1171302 (VCV001171302.3), dbSNP rs760711001, ClinGen allele CA2436754.
Genomic context (GRCh38, chr3:52,403,456, plus strand): 5'-TGAGCCAGTCCAAGGCCCACCTGTCAGCGCCAGGGGACTCAGCACCCCATCCTCAGCCAG[G>T]TGCAGCAGGCCTGTGCTGATGACAGGACCCAGATCACGGACAGCACGGTTGTAGCGTATG-3'
Protein context (NP_004647.1, residues 553-573): LGPVISTGLL[His563Gln]LAEDGVLSPL